The following is an entry in ClinVar:

ClinVar aggregate classification (germline): Likely benign (1 of 4 stars; one submission).

Allele frequency attached by ClinVar (database versions not stated): TOPMed 0.00002; gnomAD 0.00004.

Submission:

CeGaT Center for Human Genetics Tuebingen
Classification: Likely benign. Last evaluated: 2022-09-01. Review status: criteria provided, single submitter. Criteria: CeGaT Center For Human Genetics Tuebingen Variant Classification Criteria Version 2. Collection method: clinical testing. Allele origin: germline. Affected: yes. Observed: 1 variant allele.
Comment: PHF8: BP4, BP7

NM_015107.3(PHF8):c.2640G>A (p.Leu880=)

Gene: PHF8 (PHD finger protein 8; minus strand). Cytogenetic location: Xp11.22.
Variant type: single nucleotide variant.
Coding change: c.2640G>A on transcript NM_015107.3 (MANE Select); coding-DNA position 2640, G replaced by A.
Protein change: p.Leu880=; no amino-acid change (leucine 880 retained).
Molecular consequence: synonymous variant.
Genome position (GRCh38, 1-based): chrX:53,944,143, C>T on the plus strand (G>A on the coding strand, the complement: PHF8 is on the minus strand). VCF-style: chrX-53944143-C-T. GRCh37 (hg19) VCF-style: chrX-53970576-C-T.
Other names: c.2748G>A, p.Leu916= (NM_001184896.1); c.2337G>A, p.Leu779= (NM_001184897.2); c.2589G>A, p.Leu863= (NM_001184898.2).
Identifiers: ClinVar variation 2660642 (VCV002660642.24), dbSNP rs781998200, ClinGen allele CA516564867.